The following is an entry in ClinVar:

NM_002734.5(PRKAR1A):c.152G>A (p.Arg51Lys)

Gene: PRKAR1A (protein kinase cAMP-dependent type I regulatory subunit alpha; plus strand). Cytogenetic location: 17q24.2.
Variant type: single nucleotide variant.
Coding change: c.152G>A on transcript NM_002734.5 (MANE Select); coding-DNA position 152, G replaced by A.
Protein change: p.Arg51Lys; replaces arginine 51 with lysine.
Molecular consequence: missense variant.
Genome position (GRCh38, 1-based): chr17:68,515,551, G>A. VCF-style: chr17-68515551-G-A. GRCh37 (hg19) VCF-style: chr17-66511692-G-A.
Other names: c.152G>A, p.Arg51Lys (NM_001276289.2, NM_001276290.1, NM_001278433.2 and 4 more transcripts); short protein forms R51K.
Identifiers: ClinVar variation 5027351 (VCV005027351.1).

ClinVar aggregate classification (germline): Uncertain significance (1 of 4 stars; one submission).

Conditions:
Hereditary cancer-predisposing syndrome. Also called: Neoplastic Syndromes, Hereditary; Tumor predisposition; Hereditary neoplastic syndrome; Hereditary Cancer Syndrome. Identifiers: Orphanet 140162, MedGen C0027672, MeSH D009386, MONDO:0015356.

gnomAD v4.1: 10 of 1,612,686 alleles (0.00062%); highest among the groups gnomAD compares: Non-Finnish European, 0.00085%; no homozygotes.

Submission:

Ambry Genetics
Classification: Uncertain significance for Hereditary cancer-predisposing syndrome. Last evaluated: 2026-08-23. Review status: criteria provided, single submitter. Criteria: Ambry Variant Classification Scheme 2023. Collection method: clinical testing. Allele origin: germline.
Comment: The p.R51K variant (also known as c.152G>A), located in coding exon 1 of the PRKAR1A gene, results from a G to A substitution at nucleotide position 152. The arginine at codon 51 is replaced by lysine, an amino acid with highly similar properties. This amino acid position is conserved. In addition, the in silico prediction for this alteration is inconclusive. Based on the available evidence, the clinical significance of this variant remains unclear.